The following is an entry in ClinVar:

NM_001018005.2(TPM1):c.177A>C (p.Lys59Asn)

Gene: TPM1 (tropomyosin 1; plus strand). Cytogenetic location: 15q22.2.
Variant type: single nucleotide variant.
Coding change: c.177A>C on transcript NM_001018005.2 (MANE Select); coding-DNA position 177, A replaced by C.
Protein change: p.Lys59Asn; replaces lysine 59 with asparagine.
Molecular consequence: missense variant. On other transcripts: non-coding transcript variant (12), intron variant (10).
Genome position (GRCh38, 1-based): chr15:63,044,089, A>C. VCF-style: chr15-63044089-A-C. GRCh37 (hg19) VCF-style: chr15-63336288-A-C.
Other names: c.177A>C, p.Lys59Asn (NM_000366.6, NM_001018004.2, NM_001018006.2 and 10 more transcripts); c.303A>C, p.Lys101Asn (NM_001365778.1, NM_001407322.1, NM_001407323.1 and 1 more transcripts); c.240+258A>C (NM_001407336.1, NM_001018020.2, NM_001407338.1 and 7 more transcripts); short protein forms K59N, K101N.
Identifiers: ClinVar variation 4055968 (VCV004055968.1).

ClinVar aggregate classification (germline): Uncertain significance (1 of 4 stars; one submission).

Submission:

GeneDx
Classification: Uncertain significance. Last evaluated: 2025-01-05. Review status: criteria provided, single submitter. Criteria: GeneDx Variant Classification Process June 2021. Collection method: clinical testing. Allele origin: germline. Affected: yes.
Comment: Not observed at significant frequency in large population cohorts (gnomAD); In silico analysis supports that this missense variant has a deleterious effect on protein structure/function; Has not been previously published as pathogenic or benign to our knowledge